The following is an entry in ClinVar:

NM_170665.4(ATP2A2):c.2249G>A (p.Arg750Gln)

Gene: ATP2A2 (ATPase sarcoplasmic/endoplasmic reticulum Ca2+ transporting 2; plus strand). Cytogenetic location: 12q24.11.
Variant type: single nucleotide variant.
Coding change: c.2249G>A on transcript NM_170665.4 (MANE Select); coding-DNA position 2249, G replaced by A.
Protein change: p.Arg750Gln; replaces arginine 750 with glutamine.
Molecular consequence: missense variant.
Genome position (GRCh38, 1-based): chr12:110,342,379, G>A. VCF-style: chr12-110342379-G-A. GRCh37 (hg19) VCF-style: chr12-110780184-G-A.
Other names: c.2144G>A, p.Arg715Gln (NM_001413013.1); c.2249G>A, p.Arg750Gln (NM_001413014.1, NM_001681.4); c.1874G>A, p.Arg625Gln (NM_001413015.1); short protein forms R625Q, R715Q, R750Q.
Identifiers: ClinVar variation 3340244 (VCV003340244.1).

ClinVar aggregate classification (germline): Likely pathogenic (1 of 4 stars; one submission).

Submission:

GeneDx
Classification: Likely pathogenic. Last evaluated: 2024-02-24. Review status: criteria provided, single submitter. Criteria: GeneDx Variant Classification Process June 2021. Collection method: clinical testing. Allele origin: germline. Affected: yes.
Comment: Published functional studies suggest a damaging effect (PMID: 24336169); Not observed at significant frequency in large population cohorts (gnomAD); Missense variants in this gene are a common cause of disease and they are underrepresented in the general population; In silico analysis supports that this missense variant has a deleterious effect on protein structure/function; This variant is associated with the following publications: (PMID: 12925202, 11741496, 23356892, 19502158, 30345710, 20423818, 24336169)